The following continues an entry in ClinVar:

NM_000435.3(NOTCH3):c.1672C>T (p.Arg558Cys)

Gene: NOTCH3. ClinVar aggregate classification (germline): Pathogenic/Likely pathogenic. Pathogenic (11); Likely pathogenic (10).

Submissions 10 to 21 of 21:

ARUP Laboratories, Molecular Genetics and Genomics, ARUP Laboratories
Classification: Pathogenic. Last evaluated: 2024-05-13. Review status: criteria provided, single submitter. Criteria: ARUP Molecular Germline Variant Investigation Process 2024. Collection method: clinical testing. Allele origin: germline.
Comment: The NOTCH3 c.1672C>T; p.Arg558Cys variant (rs75068032) is reported in the literature in individuals affected with cerebral autosomal dominant arteriopathy with subcortical infarcts and leukoencephalopathy (CADASIL) (Anamnart 2019, Capalbo 2019, Craggs 2014, Fernandez 2015, Joutel 1997, Hu 2022). This variant is only observed on nine alleles in the Genome Aggregation Database (9/282416 alleles), indicating it is not a common polymorphism. The arginine at codon 558 is moderately conserved, but computational analyses are uncertain whether this variant is neutral or deleterious (REVEL: 0.672). However, this variant creates a cysteine in an EGF-like domain and most pathogenic NOTCH3 variants create or destroy a cysteine residue within an EGF-like domain (Rutten 2014); thus, the p.Arg558Cys variant is consistent with the predominant mechanism of disease in NOTCH3. Based on available information, this variant is considered to be pathogenic. References: Anamnart C et al. A large number of cerebral microbleeds in CADASIL patients presenting with recurrent seizures: a case report. BMC Neurol. 2019 May 30;19(1):106. PMID: 31146726 Capalbo A et al. Optimizing clinical exome design and parallel gene-testing for recessive genetic conditions in preconception carrier screening: Translational research genomic data from 14,125 exomes. PLoS Genet. 2019 Oct 7;15(10):e1008409. PMID: 31589614 Craggs LJ et al. White matter pathology and disconnection in the frontal lobe in cerebral autosomal dominant arteriopathy with subcortical infarcts and leukoencephalopathy (CADASIL). Neuropathol Appl Neurobiol. 2014 Aug;40(5):591-602. PMID: 23844775 FernÃ¡ndez A et al. A Next-Generation Sequencing of the NOTCH3 and HTRA1 Genes in CADASIL Patients. J Mol Neurosci. 2015 Jul;56(3):613-6. PMID: 25929831. Joutel A et al. Strong clustering and stereotyped nature of Notch3 mutations in CADASIL patients. Lancet. 1997 Nov 22;350(9090):1511-5. PMID: 9388399. Hu L et al. R558C NOTCH3 Mutation in a CADASIL Patient with Intracerebral Hemorrhage: A Case Report with Literature Review. J Stroke Cerebrovasc Dis. 2022 Jul;31(7):106541. Epub 2022 May 3. PMID: 35523050. Rutten JW et al. Interpretation of NOTCH3 mutations in the diagnosis of CADASIL. Expert Rev Mol Diagn. 2014 Jun;14(5):593-603. PMID: 24844136.

Blueprint Genetics
Classification: Pathogenic for NOTCH3-related disorders. Last evaluated: 2023-10-03. Review status: criteria provided, single submitter. Criteria: ACMG Guidelines, 2015. Collection method: clinical testing. Allele origin: germline. Affected: yes. Observed: 5 variant alleles.

Clinical Genetics Laboratory, Skane University Hospital Lund
Classification: Likely pathogenic for Cerebral arteriopathy, autosomal dominant, with subcortical infarcts and leukoencephalopathy, type 1. Last evaluated: 2023-09-05. Review status: criteria provided, single submitter. Criteria: ACMG Guidelines, 2015. Collection method: clinical testing. Allele origin: germline. Inheritance: Autosomal dominant inheritance. Affected: yes.

Institute of Human Genetics, University of Leipzig Medical Center
Classification: Likely pathogenic for Cerebral arteriopathy, autosomal dominant, with subcortical infarcts and leukoencephalopathy, type 1. Last evaluated: 2023-09-04. Review status: criteria provided, single submitter. Criteria: ACMG Guidelines, 2015. Collection method: clinical testing. Allele origin: unknown. Affected: yes.

Athena Diagnostics
Classification: Pathogenic. Last evaluated: 2023-03-30. Review status: criteria provided, single submitter. Criteria: Athena Diagnostics Criteria. Collection method: clinical testing. Allele origin: unknown.
Comment: The frequency of this variant in the general population is consistent with pathogenicity (Genome Aggregation Database (gnomAD), Cambridge, MA (URL)). This variant is statistically more frequent in individuals with CADASIL than in the general population and/or healthy controls. This variant occurs as the most likely explanation for disease in a significant number of cases, suggesting this variant is associated with disease. This variant alters a critical location within the protein, and is expected to severely affect function and cause disease. Greater than 90% of NOTCH3 pathogenic variants associated with CADASIL involve the gain or loss of a cysteine residue within the epidermal growth factor (EGF)-like repeat domain (PMID: 32457593, 20301673).

3billion
Classification: Likely pathogenic for Cerebral arteriopathy, autosomal dominant, with subcortical infarcts and leukoencephalopathy, type 1. Last evaluated: 2022-09-01. Review status: criteria provided, single submitter. Criteria: ACMG Guidelines, 2015. Collection method: clinical testing. Allele origin: germline. Affected: yes. Observed: 1 heterozygote.
Comment: It is observed in the gnomAD v2.1.1 dataset at total allele frequency of 0.003%. Missense changes are a common disease-causing mechanism. In silico tool predictions suggest damaging effect of the variant on gene or gene product (REVEL: 0.67; 3Cnet: 0.93). Same nucleotide change resulting in same amino acid change has been previously reported as pathogenic/likely pathogenic with strong evidence (ClinVar ID: VCV000447794). Therefore, this variant is classified as Likely pathogenic according to the recommendation of ACMG/AMP guideline.

MGZ Medical Genetics Center
Classification: Pathogenic for Cerebral arteriopathy, autosomal dominant, with subcortical infarcts and leukoencephalopathy, type 1. Last evaluated: 2022-01-18. Review status: criteria provided, single submitter. Criteria: ACMG Guidelines, 2015. Collection method: clinical testing. Allele origin: germline. Affected: yes. Observed: 1 variant allele.
Comment: ACMG criteria applied: PS4, PM1_STR, PM2_SUP, PP2, PP3

Laboratorio de Genetica e Diagnostico Molecular, Hospital Israelita Albert Einstein
Classification: Likely pathogenic. Last evaluated: 2021-05-24. Review status: criteria provided, single submitter. Criteria: ACMG Guidelines, 2015. Collection method: clinical testing. Allele origin: germline. Affected: yes.
Comment: ACMG classification criteria: PS4, PM1, PM2

Fulgent Genetics
Classification: Pathogenic for Cerebral arteriopathy, autosomal dominant, with subcortical infarcts and leukoencephalopathy, type 1; Lateral meningocele syndrome; Myofibromatosis, infantile, 2. Last evaluated: 2018-10-31. Review status: criteria provided, single submitter. Criteria: ACMG Guidelines, 2015. Collection method: clinical testing. Allele origin: unknown.

Clinical Genetics Service, Universitary Hospital 12 de Octubre
Classification: Pathogenic for Cerebral arteriopathy, autosomal dominant, with subcortical infarcts and leukoencephalopathy, type 1. Review status: criteria provided, single submitter. Criteria: ACMG Guidelines, 2015. Collection method: clinical testing. Allele origin: germline. Affected: yes.

Equipe Genetique des Anomalies du Developpement, Université de Bourgogne
Classification: Pathogenic for Cerebral arteriopathy, autosomal dominant, with subcortical infarcts and leukoencephalopathy, type 1. Review status: criteria provided, single submitter. Criteria: ACMG Guidelines, 2015. Collection method: clinical testing. Allele origin: unknown. Affected: yes.

Juno Genomics, Hangzhou Juno Genomics, Inc
Classification: Likely pathogenic for Familial partial lipodystrophy, Kobberling type; Cerebral arteriopathy, autosomal dominant, with subcortical infarcts and leukoencephalopathy, type 1; Cerebral arteriopathy, autosomal recessive, with subcortical infarcts and leukoencephalopathy 1; Myofibromatosis, infantile, 2; Lateral meningocele syndrome. Review status: criteria provided, single submitter. Criteria: ACMG Guidelines, 2015. Collection method: clinical testing. Allele origin: germline.
Comment: Absent from controls (or at extremely low frequency if recessive) in Genome Aggregation Database.;The prevalence of the variant in affected individuals is significantly increased compared to the prevalence in controls.;Patient's phenotype or family history is highly specific for a disease with a single genetic etiology.;Multiple lines of computational evidence support a deleterious effect on the gene or gene product.

Literature cited by the submitters: PubMed 40783530 (cited by Dasa and Mayo Clinic Laboratories, Mayo Clinic); PubMed 8878478 (cited by 5 submitters); PubMed 16009764 (cited by 4 submitters); PubMed 23844775 (cited by 4 submitters); PubMed 32172663 (cited by 5 submitters); PubMed 11755616 (cited by Mayo Clinic Laboratories, Mayo Clinic and Athena Diagnostics); PubMed 15364702 (cited by Mayo Clinic Laboratories, Mayo Clinic and Athena Diagnostics); PubMed 22218279 (cited by Mayo Clinic Laboratories, Mayo Clinic and Athena Diagnostics); PubMed 24086431 (cited by Mayo Clinic Laboratories, Mayo Clinic and Athena Diagnostics); PubMed 26646783 (cited by Mayo Clinic Laboratories, Mayo Clinic and Athena Diagnostics); PubMed 28710804 (cited by Mayo Clinic Laboratories, Mayo Clinic and Athena Diagnostics); PubMed 30355220 (cited by Mayo Clinic Laboratories, Mayo Clinic); PubMed 31146726 (cited by Mayo Clinic Laboratories, Mayo Clinic); PubMed 33130454 (cited by Mayo Clinic Laboratories, Mayo Clinic); PubMed 35523050 (cited by Mayo Clinic Laboratories, Mayo Clinic); PubMed 36047879 (cited by Mayo Clinic Laboratories, Mayo Clinic); PubMed 36380532 (cited by Mayo Clinic Laboratories, Mayo Clinic); PubMed 36411388 (cited by Mayo Clinic Laboratories, Mayo Clinic); PubMed 37152446 (cited by Mayo Clinic Laboratories, Mayo Clinic); PubMed 38217707 (cited by Mayo Clinic Laboratories, Mayo Clinic); PubMed 27844030 (cited by Athena Diagnostics); PubMed 19174371 (cited by Athena Diagnostics); PubMed 25929831 (cited by Athena Diagnostics); PubMed 23584202 (cited by Athena Diagnostics); PubMed 17122431 (cited by Athena Diagnostics); PubMed 25344745 (cited by Athena Diagnostics); PubMed 19359623 (cited by Athena Diagnostics); PubMed 11102981 (cited by Athena Diagnostics); PubMed 9388399 (cited by Athena Diagnostics).